The following is an entry in ClinVar:

NM_004958.4(MTOR):c.4045G>A (p.Asp1349Asn)

Gene: MTOR (mechanistic target of rapamycin kinase; minus strand). Cytogenetic location: 1p36.22.
Variant type: single nucleotide variant.
Coding change: c.4045G>A on transcript NM_004958.4 (MANE Select); coding-DNA position 4045, G replaced by A.
Protein change: p.Asp1349Asn; replaces aspartic acid 1349 with asparagine.
Molecular consequence: missense variant.
Genome position (GRCh38, 1-based): chr1:11,199,603, C>T on the plus strand (G>A on the coding strand, the complement: MTOR is on the minus strand). VCF-style: chr1-11199603-C-T. GRCh37 (hg19) VCF-style: chr1-11259660-C-T.
Other names: c.4045G>A, p.Asp1349Asn (NM_001386500.1); c.2797G>A, p.Asp933Asn (NM_001386501.1); short protein forms D1349N, D933N.
Identifiers: ClinVar variation 4797945 (VCV004797945.1).

ClinVar aggregate classification (germline): Uncertain significance (1 of 4 stars; one submission).

Submission:

Labcorp Genetics (formerly Invitae), Labcorp
Classification: Uncertain significance. Last evaluated: 2025-11-27. Review status: criteria provided, single submitter. Criteria: Invitae Variant Classification Sherloc (09022015). Collection method: clinical testing. Allele origin: germline.
Comment: This sequence change replaces aspartic acid, which is acidic and polar, with asparagine, which is neutral and polar, at codon 1349 of the MTOR protein (p.Asp1349Asn). This variant is not present in population databases (gnomAD no frequency). This variant has not been reported in the literature in individuals affected with MTOR-related conditions. Invitae Evidence Modeling of protein sequence and biophysical properties (such as structural, functional, and spatial information, amino acid conservation, physicochemical variation, residue mobility, and thermodynamic stability) indicates that this missense variant is not expected to disrupt MTOR protein function with a negative predictive value of 95%. In summary, the available evidence is currently insufficient to determine the role of this variant in disease. Therefore, it has been classified as a Variant of Uncertain Significance.